The following is an entry in ClinVar:

NM_005228.5(EGFR):c.212A>G (p.Gln71Arg)

Gene: EGFR (epidermal growth factor receptor; plus strand). Cytogenetic location: 7p11.2.
Variant type: single nucleotide variant.
Coding change: c.212A>G on transcript NM_005228.5 (MANE Select); coding-DNA position 212, A replaced by G.
Protein change: p.Gln71Arg; replaces glutamine 71 with arginine.
Molecular consequence: missense variant. On other transcripts: intron variant (1).
Genome position (GRCh38, 1-based): chr7:55,142,409, A>G. VCF-style: chr7-55142409-A-G. GRCh37 (hg19) VCF-style: chr7-55210102-A-G.
Other names: c.212A>G, p.Gln71Arg (NM_001346897.2, NM_001346898.2, NM_001346899.2 and 3 more transcripts); c.53A>G, p.Gln18Arg (NM_001346900.2); c.89-13421A>G (NM_001346941.2); short protein forms Q18R, Q71R.
Identifiers: ClinVar variation 961606 (VCV000961606.9), dbSNP rs369580836, ClinGen allele CA4265149.

ClinVar aggregate classification (germline): Conflicting classifications of pathogenicity. Review status: criteria provided, conflicting classifications (1 of 4 stars). 2 submissions from 2 submitters: Uncertain significance (1); Benign (1). Last evaluated 2026-01-26.

Conditions:
Hereditary cancer-predisposing syndrome. Also called: Tumor predisposition; Hereditary neoplastic syndrome; Hereditary Cancer Syndrome; Neoplastic Syndromes, Hereditary. Identifiers: Orphanet 140162, MedGen C0027672, MeSH D009386, MONDO:0015356.
EGFR-related lung cancer (EGFR). Identifiers: MedGen CN130014.

Allele frequency attached by ClinVar (database versions not stated): ExAC 0.00002; gnomAD exomes 0.00002; ESP Exome Variant Server 0.00008; TOPMed 0.00008; gnomAD 0.00009 and 0.00010.
gnomAD v4.1: 26 of 1,614,096 alleles (0.0016%); highest among the groups gnomAD compares: African/African-American, 0.027%; no homozygotes.

Submissions (2):

Labcorp Genetics (formerly Invitae), Labcorp
Classification: Uncertain significance for EGFR-related lung cancer. Last evaluated: 2026-01-26. Review status: criteria provided, single submitter. Criteria: Invitae Variant Classification Sherloc (09022015). Collection method: clinical testing. Allele origin: germline.
Comment: This sequence change replaces glutamine, which is neutral and polar, with arginine, which is basic and polar, at codon 71 of the EGFR protein (p.Gln71Arg). The frequency data for this variant in the population databases is considered unreliable, as metrics indicate poor data quality at this position in the gnomAD database. This variant has not been reported in the literature in individuals affected with EGFR-related conditions. ClinVar contains an entry for this variant (Variation ID: 961606). Invitae Evidence Modeling of protein sequence and biophysical properties (such as structural, functional, and spatial information, amino acid conservation, physicochemical variation, residue mobility, and thermodynamic stability) indicates that this missense variant is not expected to disrupt EGFR protein function with a negative predictive value of 80%. In summary, the available evidence is currently insufficient to determine the role of this variant in disease. Therefore, it has been classified as a Variant of Uncertain Significance.

Ambry Genetics
Classification: Benign for Hereditary cancer-predisposing syndrome. Last evaluated: 2024-10-28. Review status: criteria provided, single submitter. Criteria: Ambry Variant Classification Scheme 2023. Collection method: clinical testing. Allele origin: germline.